The following is an entry in ClinVar:

NM_007348.4(ATF6):c.1187+3A>G

Gene: ATF6 (activating transcription factor 6; plus strand). Cytogenetic location: 1q23.3.
Variant type: single nucleotide variant.
Coding change: c.1187+3A>G on transcript NM_007348.4 (MANE Select); 3 bases into the intron after coding-DNA position 1187, A replaced by G.
Molecular consequence: intron variant.
Genome position (GRCh38, 1-based): chr1:161,821,164, A>G. VCF-style: chr1-161821164-A-G. GRCh37 (hg19) VCF-style: chr1-161790954-A-G.
Identifiers: ClinVar variation 970890 (VCV000970890.6), dbSNP rs189275280, ClinGen allele CA1214389.

ClinVar aggregate classification (germline): Uncertain significance. Review status: criteria provided, multiple submitters, no conflicts (2 of 4 stars). 2 submissions from 2 submitters: Uncertain significance (2). Last evaluated 2025-01-13.

Allele frequency attached by ClinVar (database versions not stated): ESP Exome Variant Server 0.00008; gnomAD exomes 0.00008 and 0.00015; ExAC 0.00009; gnomAD 0.00009 and 0.00011; 1000 Genomes Project 30x 0.00016; TOPMed 0.00019; 1000 Genomes Project 0.00020.
gnomAD v4.1: 225 of 1,572,346 alleles (0.014%); highest among the groups gnomAD compares: Non-Finnish European, 0.018%; no homozygotes.

Submissions (2):

Labcorp Genetics (formerly Invitae), Labcorp
Classification: Uncertain significance. Last evaluated: 2025-01-13. Review status: criteria provided, single submitter. Criteria: Invitae Variant Classification Sherloc (09022015). Collection method: clinical testing. Allele origin: germline.
Comment: This sequence change falls in intron 9 of the ATF6 gene. It does not directly change the encoded amino acid sequence of the ATF6 protein. It affects a nucleotide within the consensus splice site. This variant is present in population databases (rs189275280, gnomAD 0.01%). This variant has not been reported in the literature in individuals affected with ATF6-related conditions. ClinVar contains an entry for this variant (Variation ID: 970890). Variants that disrupt the consensus splice site are a relatively common cause of aberrant splicing (PMID: 17576681, 9536098). Algorithms developed to predict the effect of sequence changes on RNA splicing suggest that this variant is not likely to affect RNA splicing. In summary, the available evidence is currently insufficient to determine the role of this variant in disease. Therefore, it has been classified as a Variant of Uncertain Significance.

Blueprint Genetics
Classification: Uncertain significance. Last evaluated: 2024-03-15. Review status: criteria provided, single submitter. Criteria: ACMG Guidelines, 2015. Collection method: clinical testing. Allele origin: germline.

Literature cited by the submitters: PubMed 17576681 (cited by Labcorp Genetics (formerly Invitae), Labcorp); PubMed 9536098 (cited by Labcorp Genetics (formerly Invitae), Labcorp).